The following is an entry in ClinVar:

NM_182961.4(SYNE1):c.19001C>T (p.Ser6334Phe)

Gene: SYNE1 (spectrin repeat containing nuclear envelope protein 1; minus strand). Cytogenetic location: 6q25.2.
Variant type: single nucleotide variant.
Coding change: c.19001C>T on transcript NM_182961.4 (MANE Select); coding-DNA position 19001, C replaced by T.
Protein change: p.Ser6334Phe; replaces serine 6334 with phenylalanine.
Molecular consequence: missense variant.
Genome position (GRCh38, 1-based): chr6:152,256,737, G>A on the plus strand (C>T on the coding strand, the complement: SYNE1 is on the minus strand). VCF-style: chr6-152256737-G-A. GRCh37 (hg19) VCF-style: chr6-152577872-G-A.
Other names: c.18788C>T, p.Ser6263Phe (NM_033071.5); short protein forms S6263F, S6334F.
Identifiers: ClinVar variation 2122410 (VCV002122410.4), dbSNP rs2090950591, ClinGen allele CA366138812.
Genomic context (GRCh38, chr6:152,256,737, plus strand): 5'-AAAGATGTAACTGCAGATTTATCTTGGGTTGGCACGTCCCCTTTGTACAGTGGCACACCA[G>A]ACAAGAGTCGATTTGGCCTGCTATAAAGCTGTAGGCAAACAAAGGCAGCTTGTTGAAGAG-3'
Protein context (NP_892006.3, residues 6324-6344): VLYSRPNRLL[Ser6334Phe]GVPLYKGDVP

ClinVar aggregate classification (germline): Uncertain significance (1 of 4 stars; one submission).

Conditions:
Emery-Dreifuss muscular dystrophy 4, autosomal dominant (EDMD4). Also called: EMERY-DREIFUSS MUSCULAR DYSTROPHY 4 WITH VARIABLE FEATURES. Identifiers: Orphanet 261, MedGen C2751807, MONDO:0013071, OMIM 612998.
Autosomal recessive ataxia, Beauce type. Also called: SYNE1 Deficiency; Spinocerebellar ataxia, autosomal recessive 8; ATAXIA, RECESSIVE, OF BEAUCE; SYNE1-Related Autosomal Recessive Cerebellar Ataxia. Identifiers: Orphanet 88644, MedGen C1853116, MONDO:0012549, OMIM 610743.

Allele frequency attached by ClinVar (database versions not stated): TOPMed below 0.00001.

Submission:

Labcorp Genetics (formerly Invitae), Labcorp
Classification: Uncertain significance for Emery-Dreifuss muscular dystrophy 4, autosomal dominant; Autosomal recessive ataxia, Beauce type. Last evaluated: 2022-04-07. Review status: criteria provided, single submitter. Criteria: Invitae Variant Classification Sherloc (09022015). Collection method: clinical testing. Allele origin: germline.
Comment: In summary, the available evidence is currently insufficient to determine the role of this variant in disease. Therefore, it has been classified as a Variant of Uncertain Significance. Algorithms developed to predict the effect of missense changes on protein structure and function are either unavailable or do not agree on the potential impact of this missense change (SIFT: "Deleterious"; PolyPhen-2: "Possibly Damaging"; Align-GVGD: "Class C15"). This variant has not been reported in the literature in individuals affected with SYNE1-related conditions. This variant is not present in population databases (gnomAD no frequency). This sequence change replaces serine, which is neutral and polar, with phenylalanine, which is neutral and non-polar, at codon 6263 of the SYNE1 protein (p.Ser6263Phe).